The following is an entry in ClinVar:

ClinVar aggregate classification (germline): Uncertain significance. Review status: criteria provided, multiple submitters, no conflicts (2 of 4 stars). 2 submissions from 2 submitters: Uncertain significance (2). Last evaluated 2024-08-05.

Conditions:
Snowflake vitreoretinal degeneration (SVD). Identifiers: Orphanet 91496, MedGen C1860405, MONDO:0008663, OMIM 193230, HP:0011533.

Submissions (2):

3billion
Classification: Uncertain significance for Snowflake vitreoretinal degeneration. Last evaluated: 2024-08-05. Review status: criteria provided, single submitter. Criteria: ACMG Guidelines, 2015. Collection method: clinical testing. Allele origin: germline. Affected: yes.
Comment: The variant is not observed in the gnomAD v4.0.0 dataset. Predicted Consequence/Location: Missense variant In silico tool predictions suggest damaging effect of the variant on gene or gene product [REVEL: 0.96 (>=0.6, sensitivity 0.68 and specificity 0.92)]. The variant has been reported as of uncertain significance (ClinVar ID: VCV001384764). Therefore, this variant is classified as VUS according to the recommendation of ACMG/AMP guideline.

Labcorp Genetics (formerly Invitae), Labcorp
Classification: Uncertain significance. Last evaluated: 2022-10-05. Review status: criteria provided, single submitter. Criteria: Invitae Variant Classification Sherloc (09022015). Collection method: clinical testing. Allele origin: germline.
Comment: This variant is not present in population databases (gnomAD no frequency). This variant has not been reported in the literature in individuals affected with KCNJ13-related conditions. ClinVar contains an entry for this variant (Variation ID: 1384764). Advanced modeling of protein sequence and biophysical properties (such as structural, functional, and spatial information, amino acid conservation, physicochemical variation, residue mobility, and thermodynamic stability) performed at Invitae indicates that this missense variant is expected to disrupt KCNJ13 protein function. In summary, the available evidence is currently insufficient to determine the role of this variant in disease. Therefore, it has been classified as a Variant of Uncertain Significance. This sequence change replaces leucine, which is neutral and non-polar, with proline, which is neutral and non-polar, at codon 48 of the KCNJ13 protein (p.Leu48Pro).

NM_002242.4(KCNJ13):c.143T>C (p.Leu48Pro)

Genes: GIGYF2 (GRB10 interacting GYF protein 2; plus strand), KCNJ13 (potassium inwardly rectifying channel subfamily J member 13; minus strand). Cytogenetic location: 2q37.1.
Variant type: single nucleotide variant.
Coding change: c.143T>C on transcript NM_002242.4 (MANE Select); coding-DNA position 143, T replaced by C.
Protein change: p.Leu48Pro; replaces leucine 48 with proline.
Molecular consequence: missense variant. On other transcripts: intron variant (5).
Genome position (GRCh38, 1-based): chr2:232,771,220, A>G on the plus strand (T>C on the coding strand, the complement: KCNJ13 is on the minus strand). VCF-style: chr2-232771220-A-G. GRCh37 (hg19) VCF-style: chr2-233635930-A-G.
Other names: c.143T>C, p.Leu48Pro (NM_001172416.1); c.532+9784A>G (NM_001103146.3, NM_015575.4, NM_001103148.2); c.533-5192A>G (NM_001103147.2); c.-23-75T>C (NM_001172417.1); short protein forms L48P.
Identifiers: ClinVar variation 1384764 (VCV001384764.7), dbSNP rs2106339653, ClinGen allele CA351014129.